The following is an entry in ClinVar:

NM_032119.4(ADGRV1):c.2977G>A (p.Ala993Thr)

Gene: ADGRV1 (adhesion G protein-coupled receptor V1; plus strand). Cytogenetic location: 5q14.3.
Variant type: single nucleotide variant.
Coding change: c.2977G>A on transcript NM_032119.4 (MANE Select); coding-DNA position 2977, G replaced by A.
Protein change: p.Ala993Thr; replaces alanine 993 with threonine.
Molecular consequence: missense variant. On other transcripts: non-coding transcript variant (1).
Genome position (GRCh38, 1-based): chr5:90,646,046, G>A. VCF-style: chr5-90646046-G-A. GRCh37 (hg19) VCF-style: chr5-89941863-G-A.
Other names: short protein forms A993T.
Identifiers: ClinVar variation 1475216 (VCV001475216.6), dbSNP rs1451183455, ClinGen allele CA360392837.
Genomic context (GRCh38, chr5:90,646,046, plus strand): 5'-GAATTTACCGTTATCCTACTGAATGGCACTGGAGGAGCTAAAGTGGGAAATAGAACAACT[G>A]CAACTCTGAGGATTAGAAGAAATGATGACCCCATTTATTTTGCAGGTGGTATTGCTGTCT-3'
Protein context (NP_115495.3, residues 983-1003): GGAKVGNRTT[Ala993Thr]TLRIRRNDDP

ClinVar aggregate classification (germline): Uncertain significance (1 of 4 stars; one submission).

Allele frequency attached by ClinVar (database versions not stated): gnomAD exomes below 0.00001.
gnomAD v4.1: 3 of 1,602,196 alleles (0.00019%); highest among the groups gnomAD compares: South Asian, 0.0034%; no homozygotes.

Submission:

Labcorp Genetics (formerly Invitae), Labcorp
Classification: Uncertain significance. Last evaluated: 2021-11-23. Review status: criteria provided, single submitter. Criteria: Invitae Variant Classification Sherloc (09022015). Collection method: clinical testing. Allele origin: germline.
Comment: This sequence change replaces alanine, which is neutral and non-polar, with threonine, which is neutral and polar, at codon 993 of the ADGRV1 protein (p.Ala993Thr). The frequency data for this variant in the population databases is considered unreliable, as metrics indicate poor data quality at this position in the gnomAD database. This variant has not been reported in the literature in individuals affected with ADGRV1-related conditions. Algorithms developed to predict the effect of missense changes on protein structure and function are either unavailable or do not agree on the potential impact of this missense change (SIFT: "Deleterious"; PolyPhen-2: "Probably Damaging"; Align-GVGD: "Class C0"). In summary, the available evidence is currently insufficient to determine the role of this variant in disease. Therefore, it has been classified as a Variant of Uncertain Significance.